The following is an entry in ClinVar:

ClinVar aggregate classification (germline): Benign (0 of 4 stars; one submission).

Conditions:
MYO16-related disorder. Also called: MYO16-related condition.

Allele frequency attached by ClinVar (database versions not stated): ESP Exome Variant Server 0.12786; TOPMed 0.13261; 1000 Genomes Project 0.13279; 1000 Genomes Project 30x 0.13398; gnomAD exomes 0.13806.
gnomAD v4.1: 222,769 of 1,613,830 alleles (14%); highest among the groups gnomAD compares: Admixed American, 19%; 15,884 homozygotes.

Submission:

PreventionGenetics, part of Exact Sciences
Classification: Benign for MYO16-related condition. Last evaluated: 2019-10-21. Review status: no assertion criteria provided. Collection method: clinical testing. Allele origin: germline.
Comment: This variant is classified as benign based on ACMG/AMP sequence variant interpretation guidelines (Richards et al. 2015 PMID: 25741868, with internal and published modifications).

NM_001198950.3(MYO16):c.3579A>G (p.Ile1193Met)

Gene: MYO16 (myosin XVI; plus strand). Cytogenetic location: 13q33.3.
Variant type: single nucleotide variant.
Coding change: c.3579A>G on transcript NM_001198950.3 (MANE Select); coding-DNA position 3579, A replaced by G.
Protein change: p.Ile1193Met; replaces isoleucine 1193 with methionine.
Molecular consequence: missense variant.
Genome position (GRCh38, 1-based): chr13:109,125,155, A>G. VCF-style: chr13-109125155-A-G. GRCh37 (hg19) VCF-style: chr13-109777503-A-G.
Other names: c.3513A>G, p.Ile1171Met (NM_015011.3); short protein forms I1171M, I1193M.
Identifiers: ClinVar variation 3059364 (VCV003059364.2), dbSNP rs157024, ClinGen allele CA7045460.